The following is an entry in ClinVar:

ClinVar aggregate classification (germline): Uncertain significance. Review status: criteria provided, multiple submitters, no conflicts (2 of 4 stars). 2 submissions from 2 submitters: Uncertain significance (2). Last evaluated 2025-09-05.

Conditions:
Hereditary cancer-predisposing syndrome. Also called: Hereditary neoplastic syndrome; Neoplastic Syndromes, Hereditary; Hereditary Cancer Syndrome; Tumor predisposition. Identifiers: Orphanet 140162, MedGen C0027672, MeSH D009386, MONDO:0015356.
Familial adenomatous polyposis 1 (FAP1). Also called: FAMILIAL ADENOMATOUS POLYPOSIS 1, ATTENUATED; POLYPOSIS, ADENOMATOUS INTESTINAL. Identifiers: MedGen C2713442, MONDO:0021056, OMIM 175100. Disease mechanism: loss of function.

Submissions (2):

Color Diagnostics, LLC DBA Color Health
Classification: Uncertain significance for Hereditary cancer-predisposing syndrome. Last evaluated: 2025-09-05. Review status: criteria provided, single submitter. Criteria: ACMG Guidelines, 2015. Collection method: clinical testing. Allele origin: germline.
Comment: This missense variant replaces glutamic acid with leucine at codon 918 of the APC protein. Computational prediction suggests that this variant may not impact protein structure and function. To our knowledge, functional studies have not been reported for this variant. This variant has not been reported in individuals affected with APC-related disorders in the literature. This variant has not been identified in the general population by the Genome Aggregation Database (gnomAD). The available evidence is insufficient to determine the role of this variant in disease conclusively. Therefore, this variant is classified as a Variant of Uncertain Significance.

Labcorp Genetics (formerly Invitae), Labcorp
Classification: Uncertain significance for Familial adenomatous polyposis 1. Last evaluated: 2025-08-30. Review status: criteria provided, single submitter. Criteria: Invitae Variant Classification Sherloc (09022015). Collection method: clinical testing. Allele origin: germline.
Comment: This sequence change replaces glutamic acid, which is acidic and polar, with leucine, which is neutral and non-polar, at codon 918 of the APC protein (p.Glu918Leu). Information on the frequency of this variant in the gnomAD database is not available, as this variant may be reported differently in the database. This variant has not been reported in the literature in individuals affected with APC-related conditions. An algorithm developed to predict the effect of missense changes on protein structure and function (PolyPhen-2) suggests that this variant is likely to be disruptive. In summary, the available evidence is currently insufficient to determine the role of this variant in disease. Therefore, it has been classified as a Variant of Uncertain Significance.

NM_000038.6(APC):c.2752_2753delinsTT (p.Glu918Leu)

Gene: APC (APC regulator of Wnt signaling pathway; plus strand). Cytogenetic location: 5q22.2.
Variant type: Indel.
Coding change: c.2752_2753delinsTT on transcript NM_000038.6 (MANE Select); coding-DNA positions 2752 to 2753, GA replaced by TT.
Protein change: p.Glu918Leu; replaces glutamic acid 918 with leucine.
Molecular consequence: missense variant. On other transcripts: non-coding transcript variant (2).
Genome position (GRCh38, 1-based): chr5:112,838,346-112,838,347, GA replaced by TT. VCF-style: chr5-112838346-GA-TT. GRCh37 (hg19) VCF-style: chr5-112174043-GA-TT.
Other names: c.2752_2753delinsTT, p.Glu918Leu (NM_001127510.3, NM_001354895.2, NM_001407450.1); c.2698_2699delinsTT, p.Glu900Leu (NM_001127511.3); c.2806_2807delinsTT, p.Glu936Leu (NM_001354896.2, NM_001407447.1, NM_001407448.1 and 1 more transcripts); c.2782_2783delinsTT, p.Glu928Leu (NM_001354897.2); c.2677_2678delinsTT, p.Glu893Leu (NM_001354898.2); c.2668_2669delinsTT, p.Glu890Leu (NM_001354899.2); c.2629_2630delinsTT, p.Glu877Leu (NM_001354900.2); c.2575_2576delinsTT, p.Glu859Leu (NM_001354901.2, NM_001407453.1); and 11 more; short protein forms E835L, E534L, E817L, E827L, E936L, E789L, E859L, E877L.
Identifiers: ClinVar variation 4726319 (VCV004726319.1).